The following is an entry in ClinVar:

ClinVar aggregate classification (germline): Uncertain significance (1 of 4 stars; one submission).

gnomAD v4.1: 6 of 1,614,118 alleles (0.00037%); highest among the groups gnomAD compares: African/African-American, 0.008%; no homozygotes.

Submission:

Labcorp Genetics (formerly Invitae), Labcorp
Classification: Uncertain significance. Last evaluated: 2024-10-30. Review status: criteria provided, single submitter. Criteria: Invitae Variant Classification Sherloc (09022015). Collection method: clinical testing. Allele origin: germline.
Comment: This sequence change replaces serine, which is neutral and polar, with threonine, which is neutral and polar, at codon 252 of the ARHGEF10 protein (p.Ser252Thr). This variant is present in population databases (no rsID available, gnomAD 0.007%). This variant has not been reported in the literature in individuals affected with ARHGEF10-related conditions. Invitae Evidence Modeling of protein sequence and biophysical properties (such as structural, functional, and spatial information, amino acid conservation, physicochemical variation, residue mobility, and thermodynamic stability) indicates that this missense variant is not expected to disrupt ARHGEF10 protein function with a negative predictive value of 80%. In summary, the available evidence is currently insufficient to determine the role of this variant in disease. Therefore, it has been classified as a Variant of Uncertain Significance.

NM_014629.4(ARHGEF10):c.755G>C (p.Ser252Thr)

Gene: ARHGEF10 (Rho guanine nucleotide exchange factor 10; plus strand). Cytogenetic location: 8p23.3.
Variant type: single nucleotide variant.
Coding change: c.755G>C on transcript NM_014629.4 (MANE Select); coding-DNA position 755, G replaced by C.
Protein change: p.Ser252Thr; replaces serine 252 with threonine.
Molecular consequence: missense variant.
Genome position (GRCh38, 1-based): chr8:1,876,646, G>C. VCF-style: chr8-1876646-G-C. GRCh37 (hg19) VCF-style: chr8-1824812-G-C.
Other names: c.758G>C, p.Ser253Thr (NM_001308152.2, NM_001308153.3); short protein forms S253T, S277T, S252T.
Identifiers: ClinVar variation 3702281 (VCV003702281.2).
Genomic context (GRCh38, chr8:1,876,646, plus strand): 5'-ATGATGTTGAGAATGGGGATGAAGGTGGAAACAGCTCCTTGGAATACGGATGGAGTTCGA[G>C]TGAATTTGAAAGTTACGAAGAGCAGAGTGACTCGGAGTGCAAGAATGGGATTCCCAGGTC-3'
Protein context (NP_055444.2, residues 242-262): NSSLEYGWSS[Ser252Thr]EFESYEEQSD